The following is an entry in ClinVar:

NM_018192.4(P3H2):c.1415C>A (p.Ser472Ter)

Gene: P3H2 (prolyl 3-hydroxylase 2; minus strand). Cytogenetic location: 3q28.
Variant type: single nucleotide variant.
Coding change: c.1415C>A on transcript NM_018192.4 (MANE Select); coding-DNA position 1415, C replaced by A.
Protein change: p.Ser472Ter; replaces serine 472 with a stop codon.
Molecular consequence: nonsense.
Genome position (GRCh38, 1-based): chr3:189,974,595, G>T on the plus strand (C>A on the coding strand, the complement: P3H2 is on the minus strand). VCF-style: chr3-189974595-G-T. GRCh37 (hg19) VCF-style: chr3-189692384-G-T.
Other names: c.872C>A, p.Ser291Ter (NM_001134418.2); short protein forms S472*, S291*.
Identifiers: ClinVar variation 2035113 (VCV002035113.4), dbSNP rs777721300, ClinGen allele CA355754041.

ClinVar aggregate classification (germline): Pathogenic (1 of 4 stars; one submission).

Submission:

Labcorp Genetics (formerly Invitae), Labcorp
Classification: Pathogenic. Last evaluated: 2022-10-10. Review status: criteria provided, single submitter. Criteria: Invitae Variant Classification Sherloc (09022015). Collection method: clinical testing. Allele origin: germline.
Comment: For these reasons, this variant has been classified as Pathogenic. This variant has not been reported in the literature in individuals affected with P3H2-related conditions. This variant is not present in population databases (gnomAD no frequency). This sequence change creates a premature translational stop signal (p.Ser472*) in the P3H2 gene. It is expected to result in an absent or disrupted protein product. Loss-of-function variants in P3H2 are known to be pathogenic (PMID: 24172257, 25469533).

Literature cited by the submitters: PubMed 24172257; PubMed 25469533.